The following is an entry in ClinVar:

NM_001363118.2(SLC52A2):c.545G>A (p.Gly182Asp)

Gene: SLC52A2 (solute carrier family 52 member 2; plus strand). Cytogenetic location: 8q24.3.
Variant type: single nucleotide variant.
Coding change: c.545G>A on transcript NM_001363118.2 (MANE Select); coding-DNA position 545, G replaced by A.
Protein change: p.Gly182Asp; replaces glycine 182 with aspartic acid.
Molecular consequence: missense variant. On other transcripts: non-coding transcript variant (1), intron variant (1).
Genome position (GRCh38, 1-based): chr8:144,360,037, G>A. VCF-style: chr8-144360037-G-A. GRCh37 (hg19) VCF-style: chr8-145583697-G-A.
Other names: c.545G>A (NM_024531.3); c.545G>A, p.Gly182Asp (NM_001253815.2, NM_001253816.2, NM_001363120.2 and 2 more transcripts); c.131-78G>A (NM_001363122.2); short protein forms G182D.
Identifiers: ClinVar variation 1403827 (VCV001403827.11), dbSNP rs1818739205, ClinGen allele CA372627374.

ClinVar aggregate classification (germline): Uncertain significance. Review status: criteria provided, multiple submitters, no conflicts (2 of 4 stars). 2 submissions from 2 submitters: Uncertain significance (2). Last evaluated 2023-12-18.

Conditions:
Inborn genetic diseases. Identifiers: MedGen C0950123, MeSH D030342.
Brown-Vialetto-van Laere syndrome 2. Also called: SPINOCEREBELLAR ATAXIA WITH BLINDNESS AND DEAFNESS 2; Riboflavin transporter deficiency type 2. Identifiers: Orphanet 572543, Orphanet 97229, MedGen C3553538, MONDO:0013867, OMIM 614707.

Allele frequency attached by ClinVar (database versions not stated): gnomAD 0.00001.
gnomAD v4.1: 1 of 1,612,756 alleles (0.000062%); highest among the groups gnomAD compares: Admixed American, 0.0017%; no homozygotes.

Submissions (2):

Ambry Genetics
Classification: Uncertain significance for Inborn genetic diseases. Last evaluated: 2023-12-18. Review status: criteria provided, single submitter. Criteria: Ambry Variant Classification Scheme 2023. Collection method: clinical testing. Allele origin: germline.

Labcorp Genetics (formerly Invitae), Labcorp
Classification: Uncertain significance for Brown-Vialetto-van Laere syndrome 2. Last evaluated: 2022-11-28. Review status: criteria provided, single submitter. Criteria: Invitae Variant Classification Sherloc (09022015). Collection method: clinical testing. Allele origin: germline.
Comment: This sequence change replaces glycine, which is neutral and non-polar, with aspartic acid, which is acidic and polar, at codon 182 of the SLC52A2 protein (p.Gly182Asp). This variant is not present in population databases (gnomAD no frequency). This variant has not been reported in the literature in individuals affected with SLC52A2-related conditions. ClinVar contains an entry for this variant (Variation ID: 1403827). Advanced modeling of protein sequence and biophysical properties (such as structural, functional, and spatial information, amino acid conservation, physicochemical variation, residue mobility, and thermodynamic stability) performed at Invitae indicates that this missense variant is not expected to disrupt SLC52A2 protein function. In summary, the available evidence is currently insufficient to determine the role of this variant in disease. Therefore, it has been classified as a Variant of Uncertain Significance.